The following is an entry in ClinVar:

ClinVar aggregate classification (germline): Conflicting classifications of pathogenicity. Review status: criteria provided, conflicting classifications (1 of 4 stars). 5 submissions from 5 submitters: Uncertain significance (4); Likely benign (1). Last evaluated 2025-09-15.

Conditions:
Charcot-Marie-Tooth disease type 4. Also called: Charcot-Marie-Tooth disease, type IV; Charcot-Marie-Tooth, Type 4. Identifiers: Orphanet 64749, MedGen C4082197, MONDO:0018995.
Inborn genetic diseases. Identifiers: MedGen C0950123, MeSH D030342.
Charcot-Marie-Tooth disease type 4C (CMT4C). Also called: CHARCOT-MARIE-TOOTH DISEASE, DEMYELINATING, AUTOSOMAL RECESSIVE, TYPE 4C; SH3TC2-Related Hereditary Motor and Sensory Neuropathy; CHARCOT-MARIE-TOOTH DISEASE, DEMYELINATING, TYPE 4C; CMT 4C; Charcot-Marie-Tooth Neuropathy Type 4C (CMT4C). Identifiers: Orphanet 99949, MedGen C1866636, MONDO:0011113, OMIM 601596.

Allele frequency attached by ClinVar (database versions not stated): gnomAD exomes 0.00003 and 0.00008; ExAC 0.00011; 1000 Genomes Project 0.00020; gnomAD 0.00029 and 0.00032; 1000 Genomes Project 30x 0.00031; TOPMed 0.00040; ESP Exome Variant Server 0.00054.
gnomAD v4.1: 83 of 1,613,988 alleles (0.0051%); highest among the groups gnomAD compares: African/African-American, 0.1%; no homozygotes.

Submissions (5):

Labcorp Genetics (formerly Invitae), Labcorp
Classification: Likely benign for Charcot-Marie-Tooth disease type 4. Last evaluated: 2025-09-15. Review status: criteria provided, single submitter. Criteria: Invitae Variant Classification Sherloc (09022015). Collection method: clinical testing. Allele origin: germline.

Ambry Genetics
Classification: Uncertain significance for Inborn genetic diseases. Last evaluated: 2025-05-28. Review status: criteria provided, single submitter. Criteria: Ambry Variant Classification Scheme 2023. Collection method: clinical testing. Allele origin: germline.

Baylor Genetics
Classification: Uncertain significance for Charcot-Marie-Tooth disease type 4C. Last evaluated: 2019-02-22. Review status: criteria provided, single submitter. Criteria: ACMG Guidelines, 2015. Collection method: clinical testing. Allele origin: unknown. Affected: yes.
Comment: This variant was determined to be of uncertain significance according to ACMG Guidelines, 2015 [PMID:25741868].

Athena Diagnostics
Classification: Uncertain significance. Last evaluated: 2018-09-21. Review status: criteria provided, single submitter. Criteria: Athena Diagnostics Criteria. Collection method: clinical testing. Allele origin: germline.

GeneDx
Classification: Uncertain significance. Last evaluated: 2017-07-25. Review status: criteria provided, single submitter. Criteria: GeneDx Variant Classification (06012015). Collection method: clinical testing. Allele origin: germline. Affected: yes.
Comment: The S265F variant in the SH3TC2 gene has not been reported previously as a pathogenic variant, nor as a benign variant, to our knowledge. While not present in the homozygous state, this variant is observed in 12/10406 (0.11%) alleles from individuals of African background in the ExAC dataset (Lek et al., 2016). The S265F variant is a non-conservative amino acid substitution, which is likely to impact secondary protein structure as these residues differ in polarity, charge, size and/or other properties. This substitution occurs at a position that is not conserved. In silico analysis is inconsistent in its predictions as to whether or not the variant is damaging to the protein structure/function. We interpret S265F as a variant of uncertain significance.

NM_024577.4(SH3TC2):c.794C>T (p.Ser265Phe)

Gene: SH3TC2 (SH3 domain and tetratricopeptide repeats 2; minus strand). Cytogenetic location: 5q32.
Variant type: single nucleotide variant.
Coding change: c.794C>T on transcript NM_024577.4 (MANE Select); coding-DNA position 794, C replaced by T.
Protein change: p.Ser265Phe; replaces serine 265 with phenylalanine.
Molecular consequence: missense variant.
Genome position (GRCh38, 1-based): chr5:149,040,615, G>A on the plus strand (C>T on the coding strand, the complement: SH3TC2 is on the minus strand). VCF-style: chr5-149040615-G-A. GRCh37 (hg19) VCF-style: chr5-148420178-G-A.
Other names: short protein forms S265F.
Identifiers: ClinVar variation 450820 (VCV000450820.17), dbSNP rs149873249, ClinGen allele CA3499391.
Genomic context (GRCh38, chr5:149,040,615, plus strand): 5'-AGGACAACATTATCTCCCTAACAATACTATGTTTTTGACTCAGCCATACCAATCTGATAG[G>A]AGCCTGTCCAATCCCTCTTCCTGGAAAGGCCACAGCTTCCTGGATAATTCTTTAGGAACC-3'
Protein context (NP_078853.2, residues 255-275): GLSRKRDWTG[Ser265Phe]YQIGRGRCKA